The following is an entry in ClinVar:

NM_032737.4(LMNB2):c.632G>T (p.Arg211Leu)

Gene: LMNB2 (lamin B2; minus strand). Cytogenetic location: 19p13.3.
Variant type: single nucleotide variant.
Coding change: c.632G>T on transcript NM_032737.4 (MANE Select); coding-DNA position 632, G replaced by T.
Protein change: p.Arg211Leu; replaces arginine 211 with leucine.
Molecular consequence: missense variant.
Genome position (GRCh38, 1-based): chr19:2,438,215, C>A on the plus strand (G>T on the coding strand, the complement: LMNB2 is on the minus strand). VCF-style: chr19-2438215-C-A. GRCh37 (hg19) VCF-style: chr19-2438213-C-A.
Other names: c.572G>T (NM_032737.2); short protein forms R211L.
Identifiers: ClinVar variation 945751 (VCV000945751.10), dbSNP rs765666579, ClinGen allele CA403257197.

ClinVar aggregate classification (germline): Uncertain significance. Review status: criteria provided, multiple submitters, no conflicts (2 of 4 stars). 2 submissions from 2 submitters: Uncertain significance (2). Last evaluated 2025-08-23.

Conditions:
Lipodystrophy, partial, acquired, susceptibility to (APLD). Also called: APLD, SUSCEPTIBILITY TO. Identifiers: MedGen C3887501, MONDO:0100476, OMIM 608709.
Progressive myoclonic epilepsy type 9. Identifiers: Orphanet 457265, MedGen C4225289, MONDO:0014685, OMIM 616540.

Allele frequency attached by ClinVar (database versions not stated): gnomAD 0.00001.
gnomAD v4.1: 4 of 1,613,948 alleles (0.00025%); highest among the groups gnomAD compares: Non-Finnish European, 0.00034%; no homozygotes.

Submissions (2):

Ambry Genetics
Classification: Uncertain significance. Last evaluated: 2025-08-23. Review status: criteria provided, single submitter. Criteria: Ambry Variant Classification Scheme 2023. Collection method: clinical testing. Allele origin: germline.

Labcorp Genetics (formerly Invitae), Labcorp
Classification: Uncertain significance for Progressive myoclonic epilepsy type 9; Lipodystrophy, partial, acquired, susceptibility to. Last evaluated: 2020-02-21. Review status: criteria provided, single submitter. Criteria: Invitae Variant Classification Sherloc (09022015). Collection method: clinical testing. Allele origin: germline.
Comment: Algorithms developed to predict the effect of missense changes on protein structure and function (SIFT, PolyPhen-2, Align-GVGD) all suggest that this variant is likely to be disruptive, but these predictions have not been confirmed by published functional studies and their clinical significance is uncertain. This sequence change replaces arginine with leucine at codon 211 of the LMNB2 protein (p.Arg211Leu). The arginine residue is highly conserved and there is a moderate physicochemical difference between arginine and leucine. This variant is not present in population databases (ExAC no frequency). This variant has not been reported in the literature in individuals with LMNB2-related conditions. In summary, the available evidence is currently insufficient to determine the role of this variant in disease. Therefore, it has been classified as a Variant of Uncertain Significance.